The following is an entry in ClinVar:

NM_000214.3(JAG1):c.1013del (p.His338fs)

Gene: JAG1 (jagged canonical Notch ligand 1; minus strand). Cytogenetic location: 20p12.2.
Variant type: Deletion.
Coding change: c.1013del on transcript NM_000214.3 (MANE Select); coding-DNA position 1013, one base deleted (A; older notation c.1013delA).
Protein change: p.His338fs; shifts the reading frame from histidine 338.
Molecular consequence: frameshift variant.
Genome position (GRCh38, 1-based): chr20:10,651,688, T deleted on the plus strand (A on the coding strand, the reverse complement: JAG1 is on the minus strand). VCF-style (leftmost placement, unchanged base first): chr20-10651687-GT-G. GRCh37 (hg19) VCF-style: chr20-10632335-GT-G.
Other names: short protein forms H338fs.
Identifiers: ClinVar variation 941714 (VCV000941714.7), dbSNP rs2067347502, ClinGen allele CA1139665905.

ClinVar aggregate classification (germline): Pathogenic (1 of 4 stars; one submission).

Conditions:
Alagille syndrome due to a JAG1 point mutation. Also called: JAG1-Related Alagille Syndrome; Alagille Syndrome 1; HEPATIC DUCTULAR HYPOPLASIA, SYNDROMATIC. Identifiers: Orphanet 261619, Orphanet 52, MedGen C1956125, MONDO:0016862, OMIM 118450.

Submission:

Labcorp Genetics (formerly Invitae), Labcorp
Classification: Pathogenic for Alagille syndrome due to a JAG1 point mutation. Last evaluated: 2019-09-07. Review status: criteria provided, single submitter. Criteria: Invitae Variant Classification Sherloc (09022015). Collection method: clinical testing. Allele origin: germline.
Comment: For these reasons, this variant has been classified as Pathogenic. Loss-of-function variants in JAG1 are known to be pathogenic (PMID: 11180599). This variant has not been reported in the literature in individuals with JAG1-related conditions. This variant is not present in population databases (ExAC no frequency). This sequence change creates a premature translational stop signal (p.His338Profs*74) in the JAG1 gene. It is expected to result in an absent or disrupted protein product.

Literature cited by the submitters: PubMed 11180599.